The following is an entry in ClinVar:

ClinVar aggregate classification (germline): Conflicting classifications of pathogenicity. Review status: criteria provided, conflicting classifications (1 of 4 stars). 3 submissions from 3 submitters: Uncertain significance (1); Likely benign (1). 1 of the submissions does not count toward it. Last evaluated 2026-01-12.

Conditions:
HIVEP2-related disorder. Also called: HIVEP2-related condition.

Allele frequency attached by ClinVar (database versions not stated): gnomAD 0.00003; TOPMed 0.00003; ExAC 0.00008; gnomAD exomes 0.00014; ESP Exome Variant Server 0.00016.
gnomAD v4.1: 199 of 1,614,090 alleles (0.012%); highest among the groups gnomAD compares: Middle Eastern, 0.016%; no homozygotes.

Submissions (3):

Women's Health and Genetics/Laboratory Corporation of America, LabCorp
Classification: Uncertain significance. Last evaluated: 2026-01-12. Review status: criteria provided, single submitter. Criteria: LabCorp Variant Classification Summary - May 2015. Collection method: clinical testing. Allele origin: germline.
Comment: Variant summary: HIVEP2 c.2284C>T (p.Arg762Trp) results in a non-conservative amino acid change in the encoded protein sequence. Algorithms developed to predict the effect of missense changes on protein structure and function are either unavailable or do not agree on the potential impact of this missense change. The variant allele was found at a frequency of 7.2e-05 in 249492 control chromosomes. This frequency is not significantly higher than estimated for disease-causing variants in HIVEP2, allowing no conclusion about variant significance. To our knowledge, no occurrence of c.2284C>T in individuals affected with HIVEP2-related conditions and no experimental evidence demonstrating its impact on protein function have been reported. ClinVar contains an entry for this variant (Variation ID: 3033682). Based on the evidence outlined above, the variant was classified as uncertain significance.

Labcorp Genetics (formerly Invitae), Labcorp
Classification: Likely benign. Last evaluated: 2025-02-20. Review status: criteria provided, single submitter. Criteria: Invitae Variant Classification Sherloc (09022015). Collection method: clinical testing. Allele origin: germline.

PreventionGenetics, part of Exact Sciences
Classification: Likely benign for HIVEP2-related condition. Last evaluated: 2021-03-02. Review status: no assertion criteria provided. Collection method: clinical testing. Allele origin: germline. Not counted in ClinVar's aggregate classification.
Comment: This variant is classified as likely benign based on ACMG/AMP sequence variant interpretation guidelines (Richards et al. 2015 PMID: 25741868, with internal and published modifications).

NM_006734.4(HIVEP2):c.2284C>T (p.Arg762Trp)

Gene: HIVEP2 (HIVEP zinc finger 2; minus strand). Cytogenetic location: 6q24.2.
Variant type: single nucleotide variant.
Coding change: c.2284C>T on transcript NM_006734.4 (MANE Select); coding-DNA position 2284, C replaced by T.
Protein change: p.Arg762Trp; replaces arginine 762 with tryptophan.
Molecular consequence: missense variant.
Genome position (GRCh38, 1-based): chr6:142,772,455, G>A on the plus strand (C>T on the coding strand, the complement: HIVEP2 is on the minus strand). VCF-style: chr6-142772455-G-A. GRCh37 (hg19) VCF-style: chr6-143093592-G-A.
Other names: short protein forms R762W.
Identifiers: ClinVar variation 3033682 (VCV003033682.4), dbSNP rs201191571, ClinGen allele CA4028444.
Genomic context (GRCh38, chr6:142,772,455, plus strand): 5'-CAATGGCTGAAGGTGACTCCTCTGACACAAGAGATGGACTTCCAGGCTGCAGTTGGGGCC[G>A]ACATGGGTCAAAGCGTTCCGTGTGACCATGAGAAAGGTTTTCGTGTCCAGCCATGGCAAA-3'
Protein context (NP_006725.3, residues 752-772): HGHTERFDPC[Arg762Trp]PQLQPGSPSL